The following is an entry in ClinVar:

ClinVar aggregate classification (germline): Uncertain significance (1 of 4 stars; one submission).

Conditions:
Long QT syndrome (LQTS). Identifiers: MedGen C0023976, MeSH D008133, MONDO:0002442. Disease mechanism: loss of function. Inheritance: Various modes of inheritance.

Submission:

Labcorp Genetics (formerly Invitae), Labcorp
Classification: Uncertain significance for Long QT syndrome. Last evaluated: 2024-06-06. Review status: criteria provided, single submitter. Criteria: Invitae Variant Classification Sherloc (09022015). Collection method: clinical testing. Allele origin: germline.
Comment: This sequence change falls in intron 37 of the CACNA1C gene. It does not directly change the encoded amino acid sequence of the CACNA1C protein. This variant is not present in population databases (gnomAD no frequency). This variant has not been reported in the literature in individuals affected with CACNA1C-related conditions. Algorithms developed to predict the effect of sequence changes on RNA splicing suggest that this variant may disrupt the consensus splice site. In summary, the available evidence is currently insufficient to determine the role of this variant in disease. Therefore, it has been classified as a Variant of Uncertain Significance.

NM_000719.7(CACNA1C):c.4623+8A>G

Gene: CACNA1C (calcium voltage-gated channel subunit alpha1 C; plus strand). Cytogenetic location: 12p13.33.
Variant type: single nucleotide variant.
Coding change: c.4623+8A>G on transcript NM_000719.7 (MANE Select); 8 bases into the intron after coding-DNA position 4623, A replaced by G.
Molecular consequence: intron variant.
Genome position (GRCh38, 1-based): chr12:2,666,790, A>G. VCF-style: chr12-2666790-A-G. GRCh37 (hg19) VCF-style: chr12-2775956-A-G.
Other names: c.4623+8A>G (NM_001167624.3, NM_001167623.2, NM_001129840.2 and 7 more transcripts); c.4590+8A>G (NM_001167625.2, NM_001129837.2, NM_001129838.2 and 1 more transcripts); c.4767+8A>G (NM_199460.4, NM_001129827.2); c.4683+8A>G (NM_001129832.2); c.4707+8A>G (NM_001129831.2); c.4689+8A>G (NM_001129829.2); c.4584+8A>G (NM_001129839.2); c.4674+8A>G (NM_001129836.2); and 1 more.
Identifiers: ClinVar variation 3655763 (VCV003655763.2).